The following is an entry in ClinVar:

NM_006005.3(WFS1):c.461-15C>T

Gene: WFS1 (wolframin ER transmembrane glycoprotein; plus strand). Cytogenetic location: 4p16.1.
Variant type: single nucleotide variant.
Coding change: c.461-15C>T on transcript NM_006005.3 (MANE Select); 15 bases into the intron before coding-DNA position 461, C replaced by T.
Molecular consequence: intron variant.
Genome position (GRCh38, 1-based): chr4:6,291,182, C>T. VCF-style: chr4-6291182-C-T. GRCh37 (hg19) VCF-style: chr4-6292909-C-T.
Other names: c.461-15C>T (NM_001145853.1).
Identifiers: ClinVar variation 45459 (VCV000045459.33), dbSNP rs9998519, ClinGen allele CA136358.

ClinVar aggregate classification (germline): Benign. Review status: criteria provided, multiple submitters, no conflicts (2 of 4 stars). 13 submissions from 12 submitters: Benign (10). 3 of the submissions do not count toward it. Last evaluated 2026-02-04.

Conditions:
WFS1-Related Spectrum Disorders.
Autosomal dominant nonsyndromic hearing loss 6 (LFSNHL). Also called: DEAFNESS, AUTOSOMAL DOMINANT 6; DEAFNESS, AUTOSOMAL DOMINANT 14; DEAFNESS, AUTOSOMAL DOMINANT 38; Autosomal dominant nonsyndromic deafness 6. Identifiers: Orphanet 90635, MedGen C1833021, MONDO:0010963, OMIM 600965.
Wolfram syndrome 1 (WFS1). Identifiers: Orphanet 3463, MedGen C4551693, MONDO:0009101, OMIM 222300.

Allele frequency attached by ClinVar (database versions not stated): ESP Exome Variant Server 0.61633; gnomAD 0.62200 and 0.63092; TOPMed 0.64018; ExAC 0.65126; gnomAD exomes 0.65781; 1000 Genomes Project 30x 0.71393; 1000 Genomes Project 0.71506.

Submissions (13):

Labcorp Genetics (formerly Invitae), Labcorp
Classification: Benign. Last evaluated: 2026-02-04. Review status: criteria provided, single submitter. Criteria: Invitae Variant Classification Sherloc (09022015). Collection method: clinical testing. Allele origin: germline.

Blueprint Genetics
Classification: Benign. Last evaluated: 2024-11-27. Review status: criteria provided, single submitter. Criteria: ACMG Guidelines, 2015. Collection method: clinical testing. Allele origin: germline.

Illumina Laboratory Services, Illumina
Classification: Benign for Autosomal dominant nonsyndromic hearing loss 6. Last evaluated: 2018-01-12. Review status: criteria provided, single submitter. Criteria: ICSL Variant Classification Criteria 13 December 2019. Collection method: clinical testing. Allele origin: germline.
Comment: This variant was observed in the ICSL laboratory as part of a predisposition screen in an ostensibly healthy population. It had not been previously curated by ICSL or reported in the Human Gene Mutation Database (HGMD: prior to June 1st, 2018), and was therefore a candidate for classification through an automated scoring system. Utilizing variant allele frequency, disease prevalence and penetrance estimates, and inheritance mode, an automated score was calculated to assess if this variant is too frequent to cause the disease. Based on the score and internal cut-off values, a variant classified as benign is not then subjected to further curation. The score for this variant resulted in a classification of benign for this disease.

Illumina Laboratory Services, Illumina
Classification: Benign for WFS1-Related Spectrum Disorders. Last evaluated: 2018-01-12. Review status: criteria provided, single submitter. Criteria: ICSL Variant Classification Criteria 13 December 2019. Collection method: clinical testing. Allele origin: germline.
Comment: the same text as in the submission from Illumina Laboratory Services, Illumina above.

GeneDx
Classification: Benign. Last evaluated: 2015-03-03. Review status: criteria provided, single submitter. Criteria: GeneDx Variant Classification Process June 2021. Collection method: clinical testing. Allele origin: germline. Affected: yes.

Eurofins Ntd Llc (ga)
Classification: Benign. Last evaluated: 2014-08-04. Review status: criteria provided, single submitter. Criteria: EGL Classification Definitions 2015. Collection method: clinical testing. Allele origin: germline. Observed: 2 variant alleles, 1 heterozygote, 1 homozygote.

Laboratory for Molecular Medicine, Mass General Brigham Personalized Medicine
Classification: Benign. Last evaluated: 2012-05-07. Review status: criteria provided, single submitter. Criteria: LMM Criteria. Collection method: clinical testing. Allele origin: germline. Observed: 1,239 variant alleles.
Comment: 461-15C>T in Intron 04 of WFS1: This variant is not expected to have clinical si gnificance because it has been identified in 38.9% (2732/7020) of European Ameri can chromosomes from a broad population by the NHLBI Exome Sequencing Project (dbSNP rs9998519).

Breakthrough Genomics
Classification: Benign. Review status: criteria provided, single submitter. Criteria: ACMG Guidelines, 2015. Collection method: not provided. Allele origin: germline. Inheritance: Autosomal recessive inheritance. Affected: yes.

Clinical Genomics, Uppaluri K&H Personalized Medicine Clinic
Classification: Benign for Wolfram syndrome 1. Review status: criteria provided, single submitter. Criteria: K & H Uppaluri Personalized Medicine Clinic Variant Classification & Assertion Criteria_Updated V.1. Collection method: research. Allele origin: unknown. Inheritance: Autosomal recessive inheritance.
Comment: Mutations in WFS1 gene are associated with Wolfram's syndrome, an autosomal recessive condition, which cause diabetes mellitus, diabetes insipidus, deafness and optic atrophy. rs9998519 variant is also seen in patients with Diabetes Mellitus. However, the role of this particular variant is yet to be ascertained.

PreventionGenetics, part of Exact Sciences
Classification: Benign. Review status: criteria provided, single submitter. Criteria: ACMG Guidelines, 2015. Collection method: clinical testing. Allele origin: germline.

Clinical Genetics DNA and cytogenetics Diagnostics Lab, Erasmus MC, Erasmus Medical Center
Classification: Benign. Review status: no assertion criteria provided. Collection method: clinical testing. Allele origin: germline. Affected: yes. Study: VKGL Data-share Consensus. Not counted in ClinVar's aggregate classification.

Diagnostic Laboratory, Department of Genetics, University Medical Center Groningen
Classification: Benign. Review status: no assertion criteria provided. Collection method: clinical testing. Allele origin: germline. Affected: yes. Study: VKGL Data-share Consensus. Not counted in ClinVar's aggregate classification.

Joint Genome Diagnostic Labs from Nijmegen and Maastricht, Radboudumc and MUMC+
Classification: Benign. Review status: no assertion criteria provided. Collection method: clinical testing. Allele origin: germline. Affected: yes. Study: VKGL Data-share Consensus. Not counted in ClinVar's aggregate classification.

Literature cited by the submitters: PubMed 23845777 (cited by Clinical Genomics, Uppaluri K&H Personalized Medicine Clinic).